The following is an entry in ClinVar:

NM_001958.5(EEF1A2):c.620A>G (p.Asn207Ser)

Gene: EEF1A2 (eukaryotic translation elongation factor 1 alpha 2; minus strand). Cytogenetic location: 20q13.33.
Variant type: single nucleotide variant.
Coding change: c.620A>G on transcript NM_001958.5 (MANE Select); coding-DNA position 620, A replaced by G.
Protein change: p.Asn207Ser; replaces asparagine 207 with serine.
Molecular consequence: missense variant.
Genome position (GRCh38, 1-based): chr20:63,494,806, T>C on the plus strand (A>G on the coding strand, the complement: EEF1A2 is on the minus strand). VCF-style: chr20-63494806-T-C. GRCh37 (hg19) VCF-style: chr20-62126159-T-C.
Other names: short protein forms N207S.
Identifiers: ClinVar variation 639681 (VCV000639681.9), dbSNP rs1184871645, ClinGen allele CA409649251.

ClinVar aggregate classification (germline): Uncertain significance (1 of 4 stars; one submission).

Conditions:
Developmental and epileptic encephalopathy, 33 (DEE33). Also called: Epileptic encephalopathy, early infantile, 33. Identifiers: Orphanet 442835, MedGen C4225337, MONDO:0014625, OMIM 616409.

Allele frequency attached by ClinVar (database versions not stated): gnomAD exomes below 0.00001; TOPMed below 0.00001.
gnomAD v4.1: 3 of 1,607,956 alleles (0.00019%); highest among the groups gnomAD compares: Admixed American, 0.0017%; no homozygotes.

Submission:

Labcorp Genetics (formerly Invitae), Labcorp
Classification: Uncertain significance for Developmental and epileptic encephalopathy, 33. Last evaluated: 2025-12-03. Review status: criteria provided, single submitter. Criteria: Invitae Variant Classification Sherloc (09022015). Collection method: clinical testing. Allele origin: germline.
Comment: This sequence change replaces asparagine, which is neutral and polar, with serine, which is neutral and polar, at codon 207 of the EEF1A2 protein (p.Asn207Ser). This variant is present in population databases (no rsID available, gnomAD 0.003%). This variant has not been reported in the literature in individuals affected with EEF1A2-related conditions. ClinVar contains an entry for this variant (Variation ID: 639681). An algorithm developed to predict the effect of missense changes on protein structure and function (PolyPhen-2) suggests that this variant is likely to be tolerated. In summary, the available evidence is currently insufficient to determine the role of this variant in disease. Therefore, it has been classified as a Variant of Uncertain Significance.